The following is an entry in ClinVar:

NM_005188.4(CBL):c.2159G>A (p.Cys720Tyr)

Gene: CBL (Cbl proto-oncogene; plus strand). Cytogenetic location: 11q23.3.
Variant type: single nucleotide variant.
Coding change: c.2159G>A on transcript NM_005188.4 (MANE Select); coding-DNA position 2159, G replaced by A.
Protein change: p.Cys720Tyr; replaces cysteine 720 with tyrosine.
Molecular consequence: missense variant.
Genome position (GRCh38, 1-based): chr11:119,297,389, G>A. VCF-style: chr11-119297389-G-A. GRCh37 (hg19) VCF-style: chr11-119168099-G-A.
Other names: short protein forms C720Y.
Identifiers: ClinVar variation 4613867 (VCV004613867.2).

ClinVar aggregate classification (germline): Uncertain significance. Review status: criteria provided, multiple submitters, no conflicts (2 of 4 stars). 2 submissions from 2 submitters: Uncertain significance (2). Last evaluated 2025-11-10.

Conditions:
Cardiovascular phenotype. Identifiers: MedGen CN230736.

Submissions (2):

Ambry Genetics
Classification: Uncertain significance for Cardiovascular phenotype. Last evaluated: 2025-11-10. Review status: criteria provided, single submitter. Criteria: Ambry Variant Classification Scheme 2023. Collection method: clinical testing. Allele origin: germline.
Comment: The p.C720Y variant (also known as c.2159G>A), located in coding exon 14 of the CBL gene, results from a G to A substitution at nucleotide position 2159. The cysteine at codon 720 is replaced by tyrosine, an amino acid with highly dissimilar properties. This amino acid position is conserved. In addition, this alteration is predicted to be tolerated by in silico analysis. Based on the available evidence, the clinical significance of this variant remains unclear.

Blueprint Genetics
Classification: Uncertain significance. Last evaluated: 2019-04-02. Review status: criteria provided, single submitter. Criteria: ACMG Guidelines, 2015. Collection method: clinical testing. Allele origin: germline.